The following is an entry in ClinVar:

NM_001267550.2(TTN):c.42364dup (p.Tyr14122fs)

Gene: TTN (titin; minus strand). Cytogenetic location: 2q31.2.
Variant type: Duplication.
Coding change: c.42364dup on transcript NM_001267550.2 (MANE Select); coding-DNA position 42364, one base duplicated (T; older notation c.42364dupT).
Protein change: p.Tyr14122fs; shifts the reading frame from tyrosine 14122.
Molecular consequence: frameshift variant.
Genome position (GRCh38, 1-based): chr2:178,634,417, A duplicated on the plus strand (T on the coding strand, the reverse complement: TTN is on the minus strand). VCF-style (leftmost placement, unchanged base first): chr2-178634416-T-TA. GRCh37 (hg19) VCF-style: chr2-179499143-T-TA.
Other names: c.15169dupT (NM_003319.4); c.37441dup, p.Tyr12481fs (NM_001256850.1); c.15169dup, p.Tyr5057fs (NM_003319.4); c.34660dup, p.Tyr11554fs (NM_133378.4); c.15544dup, p.Tyr5182fs (NM_133432.3); c.15745dup, p.Tyr5249fs (NM_133437.4); short protein forms Y11554fs, Y12481fs, Y14122fs, Y5057fs, Y5182fs, Y5249fs.
Identifiers: ClinVar variation 3760283 (VCV003760283.3).
Genomic context (GRCh38, chr2:178,634,416, plus strand): 5'-GCTCGCTTACCTGTGACAAACAACCGAGCTGAGGTCTTCTTGCCCTCCACCTCAGCAGTA[T>TA]AGACCCCTTCATCATCAAATTGAGAATCATTAATAACAAGAATATGTTTCTTTCCATCAG-3'

ClinVar aggregate classification (germline): Likely pathogenic. Review status: criteria provided, multiple submitters, no conflicts (2 of 4 stars). 2 submissions from 2 submitters: Likely pathogenic (2). Last evaluated 2026-07-07.

Conditions:
Dilated cardiomyopathy 1G (CMD1G). Identifiers: Orphanet 154, MedGen C1858763, MONDO:0011400, OMIM 604145.
Autosomal recessive limb-girdle muscular dystrophy type 2J (LGMDR10). Also called: Limb-girdle muscular dystrophy, type 2J; MUSCULAR DYSTROPHY, LIMB-GIRDLE, AUTOSOMAL RECESSIVE 10. Identifiers: Orphanet 140922, MedGen C1837342, MONDO:0012127, OMIM 608807.
Cardiovascular phenotype. Identifiers: MedGen CN230736.

Submissions (2):

Ambry Genetics
Classification: Likely pathogenic for Cardiovascular phenotype. Last evaluated: 2026-07-07. Review status: criteria provided, single submitter. Criteria: Ambry Variant Classification Scheme 2023. Collection method: clinical testing. Allele origin: germline.
Comment: The c.15169dupT variant, located in coding exon 57 of the TTN gene, results from a duplication of T at nucleotide position 15169, causing a translational frameshift with a predicted alternate stop codon (p.Y5057Lfs*4). This exon is located in the I-band region of the N2-B isoform of the titin protein and is constitutively expressed in TTN transcripts (percent spliced in or PSI 100%). This variant is considered to be rare based on population cohorts in the Genome Aggregation Database (gnomAD). This variant is expected to result in loss of function by premature protein truncation or nonsense-mediated mRNA decay. While truncating variants in TTN are present in 1-3% of the general population, truncating variants in the A-band are the most common cause of dilated cardiomyopathy (Herman DS et al. N. Engl. J. Med., 2012 Feb;366:619-28; Roberts AM et al. Sci Transl Med, 2015 Jan;7:270ra6). TTN truncating variants encoded in constitutive exons (PSI >90%) have been found to be significantly associated with DCM regardless of their position in titin (Schafer S et al. Nat. Genet., 2017 01;49:46-53; Akhtar MM et al. Circ Heart Fail, 2020 Oct;13:e006832; Massier M et al. Clin Genet, 2025 Jan). Based on the majority of available evidence to date, this variant is likely to be pathogenic.

Labcorp Genetics (formerly Invitae), Labcorp
Classification: Likely pathogenic for Dilated cardiomyopathy 1G; Autosomal recessive limb-girdle muscular dystrophy type 2J. Last evaluated: 2025-11-09. Review status: criteria provided, single submitter. Criteria: Invitae Variant Classification Sherloc (09022015). Collection method: clinical testing. Allele origin: germline.
Comment: This sequence change creates a premature translational stop signal (p.Tyr14122Leufs*4) in the TTN gene. While this is not anticipated to result in nonsense mediated decay, it is expected to create a truncated TTN protein. This variant is not present in population databases (gnomAD no frequency). This variant has not been reported in the literature in individuals affected with TTN-related conditions. ClinVar contains an entry for this variant (Variation ID: 3760283). This variant is located in the I band of TTN (PMID: 25589632). Truncating variants in this region have been reported in individuals affected with autosomal recessive centronuclear myopathy (PMID: 23975875, internal data). Truncating variants in this region have also been identified in individuals affected with autosomal dominant dilated cardiomyopathy and/or cardio-related conditions (PMID: 27869827, 32964742, internal data). In summary, the currently available evidence indicates that the variant is pathogenic, but additional data are needed to prove that conclusively. Therefore, this variant has been classified as Likely Pathogenic.

Literature cited by the submitters: PubMed 25589632 (cited by Labcorp Genetics (formerly Invitae), Labcorp); PubMed 23975875 (cited by Labcorp Genetics (formerly Invitae), Labcorp); PubMed 27869827 (cited by Labcorp Genetics (formerly Invitae), Labcorp); PubMed 32964742 (cited by Labcorp Genetics (formerly Invitae), Labcorp).